The following is an entry in ClinVar:

NM_001323532.2(PARP6):c.569A>G (p.Gln190Arg)

Gene: PARP6 (poly(ADP-ribose) polymerase family member 6; minus strand). Cytogenetic location: 15q23.
Variant type: single nucleotide variant.
Coding change: c.569A>G on transcript NM_001323532.2 (MANE Select); coding-DNA position 569, A replaced by G.
Protein change: p.Gln190Arg; replaces glutamine 190 with arginine.
Molecular consequence: missense variant. On other transcripts: non-coding transcript variant (12).
Genome position (GRCh38, 1-based): chr15:72,260,665, T>C on the plus strand (A>G on the coding strand, the complement: PARP6 is on the minus strand). VCF-style: chr15-72260665-T-C. GRCh37 (hg19) VCF-style: chr15-72553006-T-C.
Other names: c.569A>G, p.Gln190Arg (NM_001323515.2, NM_001323516.2, NM_001323519.2 and 10 more transcripts); short protein forms Q190R.
Identifiers: ClinVar variation 5040568 (VCV005040568.1).

ClinVar aggregate classification (germline): Uncertain significance (1 of 4 stars; one submission).

gnomAD v4.1: 5 of 1,613,756 alleles (0.00031%); highest among the groups gnomAD compares: Non-Finnish European, 0.00042%; no homozygotes.

Submission:

CeGaT Center for Human Genetics Tuebingen
Classification: Uncertain significance. Last evaluated: 2026-08-01. Review status: criteria provided, single submitter. Criteria: CeGaT Center For Human Genetics Tuebingen Variant Classification Criteria Version 2. Collection method: clinical testing. Allele origin: germline. Affected: yes. Observed: 1 variant allele.
Comment: PARP6: PM2